The following is an entry in ClinVar:

NM_018222.5(PARVA):c.891G>A (p.Val297=)

Gene: PARVA (parvin alpha; plus strand). Cytogenetic location: 11p15.3.
Variant type: single nucleotide variant.
Coding change: c.891G>A on transcript NM_018222.5 (MANE Select); coding-DNA position 891, G replaced by A.
Protein change: p.Val297=; no amino-acid change (valine 297 retained).
Molecular consequence: synonymous variant.
Genome position (GRCh38, 1-based): chr11:12,517,633, G>A. VCF-style: chr11-12517633-G-A. GRCh37 (hg19) VCF-style: chr11-12539180-G-A.
Identifiers: ClinVar variation 2641615 (VCV002641615.24), dbSNP rs145545501, ClinGen allele CA5891361.

ClinVar aggregate classification (germline): Likely benign (1 of 4 stars; one submission).

Allele frequency attached by ClinVar (database versions not stated): ESP Exome Variant Server 0.00248; gnomAD 0.00263; 1000 Genomes Project 0.00280; gnomAD exomes 0.00285; TOPMed 0.00289; 1000 Genomes Project 30x 0.00312; ExAC 0.00721.
gnomAD v4.1: 4,601 of 1,601,602 alleles (0.29%); highest among the groups gnomAD compares: Middle Eastern, 1.8%; 24 homozygotes.

Submission:

CeGaT Center for Human Genetics Tuebingen
Classification: Likely benign. Last evaluated: 2023-03-01. Review status: criteria provided, single submitter. Criteria: CeGaT Center For Human Genetics Tuebingen Variant Classification Criteria Version 2. Collection method: clinical testing. Allele origin: germline. Affected: yes. Observed: 1 variant allele.
Comment: PARVA: BP4, BP7, BS2